The following is an entry in ClinVar:

ClinVar aggregate classification (germline): Uncertain significance (1 of 4 stars; one submission).

Conditions:
Autosomal recessive Alport syndrome (ATS2). Also called: COL4A3-Related Nephropathy; Alport syndrome type 2; COL4A4 Alport Syndrome and Thin Basement Membrane Nephropathy; ALPORT SYNDROME 2, AUTOSOMAL RECESSIVE. Identifiers: Orphanet 63, Orphanet 88919, MedGen C4746745, MONDO:0008762, OMIM 203780.

Submission:

Precision Medicine Center, Zhengzhou University
Classification: Uncertain significance for Autosomal recessive Alport syndrome. Review status: criteria provided, single submitter. Criteria: ACMG Guidelines, 2015. Collection method: research. Allele origin: germline. Affected: yes.
Comment: PM2:not found in gnomAD

NM_000092.5(COL4A4):c.1459+5G>A

Gene: COL4A4 (collagen type IV alpha 4 chain; minus strand). Cytogenetic location: 2q36.3.
Variant type: single nucleotide variant.
Coding change: c.1459+5G>A on transcript NM_000092.5 (MANE Select); 5 bases into the intron after coding-DNA position 1459, G replaced by A.
Molecular consequence: intron variant.
Genome position (GRCh38, 1-based): chr2:227,089,863, C>T on the plus strand (G>A on the coding strand, the complement: COL4A4 is on the minus strand). VCF-style: chr2-227089863-C-T. GRCh37 (hg19) VCF-style: chr2-227954579-C-T.
Identifiers: ClinVar variation 1077021 (VCV001077021.1), dbSNP rs2150615599, ClinGen allele CA2499215697.